The following is an entry in ClinVar:

NM_016239.4(MYO15A):c.1671del (p.Phe557fs)

Gene: MYO15A (myosin XVA; plus strand). Cytogenetic location: 17p11.2.
Variant type: Deletion.
Coding change: c.1671del on transcript NM_016239.4 (MANE Select); coding-DNA position 1671, one base deleted (C; older notation c.1671delC).
Protein change: p.Phe557fs; shifts the reading frame from phenylalanine 557.
Molecular consequence: frameshift variant.
Genome position (GRCh38, 1-based): chr17:18,120,471, C deleted. VCF-style (leftmost placement, unchanged base first): chr17-18120470-TC-T. GRCh37 (hg19) VCF-style: chr17-18023784-TC-T.
Other names: short protein forms F557fs.
Identifiers: ClinVar variation 3601308 (VCV003601308.1).
Genomic context (GRCh38, chr17:18,120,470, plus strand): 5'-CGCGCCAGCGCAACCTCCAGCGCGCGCTGTCGGCCTTCGGCGCCCACCGGGGCCTGGGCT[TC>T]GGCCCTGAGTTTGGCCGCCCCGTGCCTCGCCCTGCCACCTCGCTTGCGCGGTTCCTCAAG-3'

ClinVar aggregate classification (germline): Pathogenic (1 of 4 stars; one submission).

Conditions:
Autosomal recessive nonsyndromic hearing loss 3. Also called: NEUROSENSORY NONSYNDROMIC RECESSIVE DEAFNESS 3. Identifiers: Orphanet 90636, MedGen C1838263, MONDO:0010860, OMIM 600316.

Submission:

Institute of Rare Diseases, West China Hospital, Sichuan University
Classification: Pathogenic for Autosomal recessive nonsyndromic hearing loss 3. Last evaluated: 2025-01-09. Review status: criteria provided, single submitter. Criteria: ClinGen HL ACMG Specifications v1. Collection method: research. Allele origin: germline. Affected: yes.
Comment: PVS1;PM3;PM2_Supporting